The following is an entry in ClinVar:

ClinVar aggregate classification (germline): Uncertain significance. Review status: criteria provided, multiple submitters, no conflicts (2 of 4 stars). 5 submissions from 5 submitters: Uncertain significance (5). Last evaluated 2025-01-13.

Conditions:
Inborn genetic diseases. Identifiers: MedGen C0950123, MeSH D030342.
Donnai-Barrow syndrome. Also called: DBS/FOAR SYNDROME; FACIOOCULOACOUSTICORENAL SYNDROME. Identifiers: Orphanet 2143, MedGen C1857277, MONDO:0009104, OMIM 222448.

Allele frequency attached by ClinVar (database versions not stated): gnomAD exomes 0.00001 and 0.00003; ExAC 0.00002; gnomAD 0.00004; TOPMed 0.00006.
gnomAD v4.1: 26 of 1,614,068 alleles (0.0016%); highest among the groups gnomAD compares: Non-Finnish European, 0.002%; no homozygotes.

Submissions (5):

Labcorp Genetics (formerly Invitae), Labcorp
Classification: Uncertain significance. Last evaluated: 2025-01-13. Review status: criteria provided, single submitter. Criteria: Invitae Variant Classification Sherloc (09022015). Collection method: clinical testing. Allele origin: germline.
Comment: This sequence change replaces asparagine, which is neutral and polar, with serine, which is neutral and polar, at codon 3472 of the LRP2 protein (p.Asn3472Ser). This variant is present in population databases (rs755241846, gnomAD 0.004%). This variant has not been reported in the literature in individuals affected with LRP2-related conditions. ClinVar contains an entry for this variant (Variation ID: 1446561). Invitae Evidence Modeling of protein sequence and biophysical properties (such as structural, functional, and spatial information, amino acid conservation, physicochemical variation, residue mobility, and thermodynamic stability) indicates that this missense variant is expected to disrupt LRP2 protein function with a positive predictive value of 95%. In summary, the available evidence is currently insufficient to determine the role of this variant in disease. Therefore, it has been classified as a Variant of Uncertain Significance.

Blueprint Genetics
Classification: Uncertain significance. Last evaluated: 2024-11-08. Review status: criteria provided, single submitter. Criteria: ACMG Guidelines, 2015. Collection method: clinical testing. Allele origin: germline.

Fulgent Genetics
Classification: Uncertain significance for Donnai-Barrow syndrome. Last evaluated: 2024-03-28. Review status: criteria provided, single submitter. Criteria: ACMG Guidelines, 2015. Collection method: clinical testing. Allele origin: germline.

Ambry Genetics
Classification: Uncertain significance for Inborn genetic diseases. Last evaluated: 2023-09-23. Review status: criteria provided, single submitter. Criteria: Ambry Variant Classification Scheme 2023. Collection method: clinical testing. Allele origin: germline.

GeneDx
Classification: Uncertain significance. Last evaluated: 2023-03-26. Review status: criteria provided, single submitter. Criteria: GeneDx Variant Classification Process June 2021. Collection method: clinical testing. Allele origin: germline. Affected: yes.
Comment: Has not been previously published as pathogenic or benign to our knowledge; In silico analysis supports that this missense variant has a deleterious effect on protein structure/function

NM_004525.3(LRP2):c.10415A>G (p.Asn3472Ser)

Gene: LRP2 (LDL receptor related protein 2; minus strand). Cytogenetic location: 2q31.1.
Variant type: single nucleotide variant.
Coding change: c.10415A>G on transcript NM_004525.3 (MANE Select); coding-DNA position 10415, A replaced by G.
Protein change: p.Asn3472Ser; replaces asparagine 3472 with serine.
Molecular consequence: missense variant.
Genome position (GRCh38, 1-based): chr2:169,176,567, T>C on the plus strand (A>G on the coding strand, the complement: LRP2 is on the minus strand). VCF-style: chr2-169176567-T-C. GRCh37 (hg19) VCF-style: chr2-170033077-T-C.
Other names: short protein forms N3472S.
Identifiers: ClinVar variation 1446561 (VCV001446561.10), dbSNP rs755241846, ClinGen allele CA1953360.